The following is an entry in ClinVar:

ClinVar aggregate classification (germline): Likely benign (1 of 4 stars; one submission).

gnomAD v4.1: 6 of 1,612,908 alleles (0.00037%); highest among the groups gnomAD compares: Middle Eastern, 0.051%; no homozygotes.

Submission:

CeGaT Center for Human Genetics Tuebingen
Classification: Likely benign. Last evaluated: 2026-08-01. Review status: criteria provided, single submitter. Criteria: CeGaT Center For Human Genetics Tuebingen Variant Classification Criteria Version 2. Collection method: clinical testing. Allele origin: germline. Affected: yes. Observed: 1 variant allele.
Comment: USP7: BP4, BP7

NM_003470.3(USP7):c.1026T>C (p.Asp342=)

Gene: USP7 (ubiquitin specific peptidase 7; minus strand). Cytogenetic location: 16p13.2.
Variant type: single nucleotide variant.
Coding change: c.1026T>C on transcript NM_003470.3 (MANE Select); coding-DNA position 1026, T replaced by C.
Protein change: p.Asp342=; no amino-acid change (aspartic acid 342 retained).
Molecular consequence: synonymous variant. On other transcripts: non-coding transcript variant (1).
Genome position (GRCh38, 1-based): chr16:8,915,306, A>G on the plus strand (T>C on the coding strand, the complement: USP7 is on the minus strand). VCF-style: chr16-8915306-A-G. GRCh37 (hg19) VCF-style: chr16-9009163-A-G.
Other names: c.978T>C, p.Asp326= (NM_001286457.2); c.729T>C, p.Asp243= (NM_001286458.2); c.852T>C, p.Asp284= (NM_001321858.2).
Identifiers: ClinVar variation 5039076 (VCV005039076.1).